The following is an entry in ClinVar:

NM_001282933.2(ZNF341):c.2242C>A (p.Gln748Lys)

Genes: ZNF341 (zinc finger protein 341; plus strand), ZNF341-AS1 (ZNF341 antisense RNA 1; minus strand). Cytogenetic location: 20q11.22.
Variant type: single nucleotide variant.
Coding change: c.2242C>A on transcript NM_001282933.2 (MANE Select); coding-DNA position 2242, C replaced by A.
Protein change: p.Gln748Lys; replaces glutamine 748 with lysine.
Molecular consequence: missense variant. On other transcripts: non-coding transcript variant (1).
Genome position (GRCh38, 1-based): chr20:33,791,194, C>A. VCF-style: chr20-33791194-C-A. GRCh37 (hg19) VCF-style: chr20-32379000-C-A.
Other names: c.1972C>A, p.Gln658Lys (NM_001282935.2); c.2221C>A, p.Gln741Lys (NM_032819.5); short protein forms Q741K, Q748K, Q658K.
Identifiers: ClinVar variation 2723579 (VCV002723579.3), dbSNP rs184458008, ClinGen allele CA9819752.

ClinVar aggregate classification (germline): Uncertain significance (1 of 4 stars; one submission).

gnomAD v4.1: 2 of 1,612,726 alleles (0.00012%); highest among the groups gnomAD compares: East Asian, 0.0022%; no homozygotes.

Submission:

Labcorp Genetics (formerly Invitae), Labcorp
Classification: Uncertain significance. Last evaluated: 2023-09-30. Review status: criteria provided, single submitter. Criteria: Invitae Variant Classification Sherloc (09022015). Collection method: clinical testing. Allele origin: germline.
Comment: An algorithm developed to predict the effect of missense changes on protein structure and function (PolyPhen-2) suggests that this variant is likely to be tolerated. This variant has not been reported in the literature in individuals affected with ZNF341-related conditions. This variant is present in population databases (rs184458008, gnomAD 0.0009%). This sequence change replaces glutamine, which is neutral and polar, with lysine, which is basic and polar, at codon 741 of the ZNF341 protein (p.Gln741Lys). In summary, the available evidence is currently insufficient to determine the role of this variant in disease. Therefore, it has been classified as a Variant of Uncertain Significance.